The following is an entry in ClinVar:

ClinVar aggregate classification (germline): Uncertain significance (1 of 4 stars; one submission).

Allele frequency attached by ClinVar (database versions not stated): TOPMed below 0.00001; gnomAD 0.00002; gnomAD exomes 0.00002 and 0.00004; ExAC 0.00008.
gnomAD v4.1: 20 of 1,209,217 alleles (0.0017%); highest among the groups gnomAD compares: Non-Finnish European, 0.001%; no homozygotes.

Submission:

Labcorp Genetics (formerly Invitae), Labcorp
Classification: Uncertain significance. Last evaluated: 2021-09-02. Review status: criteria provided, single submitter. Criteria: Invitae Variant Classification Sherloc (09022015). Collection method: clinical testing. Allele origin: germline.
Comment: This sequence change replaces glycine with serine at codon 512 of the ALAS2 protein (p.Gly512Ser). The glycine residue is highly conserved and there is a small physicochemical difference between glycine and serine. This variant is present in population databases (rs200994350, ExAC 0.01%). This variant has not been reported in the literature in individuals affected with ALAS2-related conditions. Advanced modeling of protein sequence and biophysical properties (such as structural, functional, and spatial information, amino acid conservation, physicochemical variation, residue mobility, and thermodynamic stability) performed at Invitae indicates that this missense variant is expected to disrupt ALAS2 protein function. In summary, the available evidence is currently insufficient to determine the role of this variant in disease. Therefore, it has been classified as a Variant of Uncertain Significance.

NM_000032.5(ALAS2):c.1534G>A (p.Gly512Ser)

Gene: ALAS2 (5'-aminolevulinate synthase 2; minus strand). Cytogenetic location: Xp11.21.
Variant type: single nucleotide variant.
Coding change: c.1534G>A on transcript NM_000032.5 (MANE Select); coding-DNA position 1534, G replaced by A.
Protein change: p.Gly512Ser; replaces glycine 512 with serine.
Molecular consequence: missense variant.
Genome position (GRCh38, 1-based): chrX:55,013,552, C>T on the plus strand (G>A on the coding strand, the complement: ALAS2 is on the minus strand). VCF-style: chrX-55013552-C-T. GRCh37 (hg19) VCF-style: chrX-55039985-C-T.
Other names: c.1423G>A, p.Gly475Ser (NM_001037967.4); c.1495G>A, p.Gly499Ser (NM_001037968.4); short protein forms G499S, G512S, G475S.
Identifiers: ClinVar variation 1517886 (VCV001517886.6), dbSNP rs200994350, ClinGen allele CA10428278.